The following is an entry in ClinVar:

ClinVar aggregate classification (germline): Uncertain significance (1 of 4 stars; one submission).

Conditions:
Holocarboxylase synthetase deficiency. Also called: MULTIPLE CARBOXYLASE DEFICIENCY, EARLY ONSET. Identifiers: Orphanet 79242, MedGen C0268581, MONDO:0009666, OMIM 253270.

Allele frequency attached by ClinVar (database versions not stated): gnomAD 0.00001; gnomAD exomes 0.00001; TOPMed 0.00001.
gnomAD v4.1: 10 of 1,614,010 alleles (0.00062%); highest among the groups gnomAD compares: Admixed American, 0.01%; no homozygotes.

Submission:

Labcorp Genetics (formerly Invitae), Labcorp
Classification: Uncertain significance for Holocarboxylase synthetase deficiency. Last evaluated: 2022-07-19. Review status: criteria provided, single submitter. Criteria: Invitae Variant Classification Sherloc (09022015). Collection method: clinical testing. Allele origin: germline.
Comment: This sequence change replaces aspartic acid, which is acidic and polar, with valine, which is neutral and non-polar, at codon 397 of the HLCS protein (p.Asp397Val). This variant is present in population databases (no rsID available, gnomAD 0.006%). This variant has not been reported in the literature in individuals affected with HLCS-related conditions. Advanced modeling of protein sequence and biophysical properties (such as structural, functional, and spatial information, amino acid conservation, physicochemical variation, residue mobility, and thermodynamic stability) performed at Invitae indicates that this missense variant is not expected to disrupt HLCS protein function. In summary, the available evidence is currently insufficient to determine the role of this variant in disease. Therefore, it has been classified as a Variant of Uncertain Significance.

NM_001352514.2(HLCS):c.1631A>T (p.Asp544Val)

Gene: HLCS (holocarboxylase synthetase; minus strand). Cytogenetic location: 21q22.13.
Variant type: single nucleotide variant.
Coding change: c.1631A>T on transcript NM_001352514.2 (MANE Select); coding-DNA position 1631, A replaced by T.
Protein change: p.Asp544Val; replaces aspartic acid 544 with valine.
Molecular consequence: missense variant. On other transcripts: non-coding transcript variant (2).
Genome position (GRCh38, 1-based): chr21:36,897,121, T>A on the plus strand (A>T on the coding strand, the complement: HLCS is on the minus strand). VCF-style: chr21-36897121-T-A. GRCh37 (hg19) VCF-style: chr21-38269421-T-A.
Other names: c.1190A>T, p.Asp397Val (NM_000411.8, NM_001242784.3, NM_001242785.2 and 4 more transcripts); short protein forms D397V, D544V.
Identifiers: ClinVar variation 2070285 (VCV002070285.1), dbSNP rs912606876, ClinGen allele CA320769079.